The following is an entry in ClinVar:

ClinVar aggregate classification (germline): Pathogenic (1 of 4 stars; one submission).

Conditions:
Seizures, benign familial infantile, 3 (BFIS3). Also called: CONVULSIONS, BENIGN FAMILIAL INFANTILE, 3; Familial neonatal seizures. Identifiers: Orphanet 140927, Orphanet 306, MedGen C1843140, MONDO:0011904, OMIM 607745.
Developmental and epileptic encephalopathy, 11 (DEE11). Also called: Early infantile epileptic encephalopathy 11. Identifiers: Orphanet 1934, MedGen C3150987, MONDO:0013388, OMIM 613721.

Submission:

Labcorp Genetics (formerly Invitae), Labcorp
Classification: Pathogenic for Seizures, benign familial infantile, 3; Developmental and epileptic encephalopathy, 11. Last evaluated: 2019-02-02. Review status: criteria provided, single submitter. Criteria: Invitae Variant Classification Sherloc (09022015). Collection method: clinical testing. Allele origin: germline.
Comment: For these reasons, this variant has been classified as Pathogenic. Loss-of-function variants in SCN2A are known to be pathogenic (PMID: 22495306, 23020937, 24650168). This variant has not been reported in the literature in individuals with SCN2A-related conditions. This variant is not present in population databases (ExAC no frequency). This sequence change creates a premature translational stop signal (p.Asn340Lysfs*10) in the SCN2A gene. It is expected to result in an absent or disrupted protein product.

Literature cited by the submitters: PubMed 22495306; PubMed 23020937; PubMed 24650168.

NM_001040142.2(SCN2A):c.1019dup (p.Asn340fs)

Gene: SCN2A (sodium voltage-gated channel alpha subunit 2; plus strand). Cytogenetic location: 2q24.3.
Variant type: Duplication.
Coding change: c.1019dup on transcript NM_001040142.2 (MANE Select); coding-DNA position 1019, one base duplicated (A; older notation c.1019dupA).
Protein change: p.Asn340fs; shifts the reading frame from asparagine 340.
Molecular consequence: frameshift variant.
Genome position (GRCh38, 1-based): chr2:165,312,073, A duplicated; the last of 2 consecutive A bases (chr2:165,312,072-165,312,073); duplicating either gives the same sequence. VCF-style (leftmost placement, unchanged base first): chr2-165312071-C-CA. GRCh37 (hg19) VCF-style: chr2-166168581-C-CA.
Other names: c.1019dup, p.Asn340fs (NM_001040143.2, NM_001371246.1, NM_001371247.1 and 1 more transcripts); short protein forms N340fs.
Identifiers: ClinVar variation 848371 (VCV000848371.8), dbSNP rs1697464755, ClinGen allele CA916082213.